The following is an entry in ClinVar:

Conditions:
Long QT syndrome 5 (LQT5). Identifiers: Orphanet 101016, Orphanet 768, MedGen C1867904, MONDO:0013372, OMIM 613695.

Submission:

Roden Lab, Vanderbilt University Medical Center
No classification provided (evidence only). Condition: Long QT syndrome 5. Review status: no classification provided. Collection method: in vitro. Allele origin: not applicable. Functional consequence: Effect on ion channel function.
ClinVar note: "not provided" was previously submitted as the classification for the variant. However, the classification appeared to be based only on an observation of functional data so it was converted to no classification on 2025-07-30.

NM_000219.6(KCNE1):c.81G>C (p.Met27Ile)

Gene: KCNE1 (potassium voltage-gated channel subfamily E regulatory subunit 1; minus strand). Cytogenetic location: 21q22.12.
Variant type: single nucleotide variant.
Coding change: c.81G>C on transcript NM_000219.6 (MANE Select); coding-DNA position 81, G replaced by C.
Protein change: p.Met27Ile; replaces methionine 27 with isoleucine.
Molecular consequence: missense variant.
Genome position (GRCh38, 1-based): chr21:34,449,554, C>G on the plus strand (G>C on the coding strand, the complement: KCNE1 is on the minus strand). VCF-style: chr21-34449554-C-G. GRCh37 (hg19) VCF-style: chr21-35821852-C-G.
Other names: c.81G>C, p.Met27Ile (NM_001127668.4, NM_001127669.4, NM_001127670.4 and 4 more transcripts); short protein forms M27I.
Identifiers: ClinVar variation 3373995 (VCV003373995.2).